The following is an entry in ClinVar:

NM_001378609.3(OTOGL):c.708C>T (p.Asp236=)

Gene: OTOGL (otogelin like; plus strand). Cytogenetic location: 12q21.31.
Variant type: single nucleotide variant.
Coding change: c.708C>T on transcript NM_001378609.3 (MANE Select); coding-DNA position 708, C replaced by T.
Protein change: p.Asp236=; no amino-acid change (aspartic acid 236 retained).
Molecular consequence: synonymous variant.
Genome position (GRCh38, 1-based): chr12:80,232,988, C>T. VCF-style: chr12-80232988-C-T. GRCh37 (hg19) VCF-style: chr12-80626768-C-T.
Other names: c.708C>T, p.Asp236= (NM_001368062.3, NM_001378610.3, NM_173591.7).
Identifiers: ClinVar variation 226974 (VCV000226974.41), dbSNP rs370298976, ClinGen allele CA6700239.

ClinVar aggregate classification (germline): Benign/Likely benign. Review status: criteria provided, multiple submitters, no conflicts (2 of 4 stars). 5 submissions from 5 submitters: Benign (4); Likely benign (1). Last evaluated 2025-11-01.

Allele frequency attached by ClinVar (database versions not stated): gnomAD 0.00030 and 0.00066; ESP Exome Variant Server 0.00033; TOPMed 0.00042; gnomAD exomes 0.00099 and 0.00171; 1000 Genomes Project 30x 0.00141; 1000 Genomes Project 0.00160; ExAC 0.00184.
gnomAD v4.1: 1,517 of 1,598,528 alleles (0.095%); highest among the groups gnomAD compares: South Asian, 1%; 17 homozygotes.

Submissions (5):

CeGaT Center for Human Genetics Tuebingen
Classification: Likely benign. Last evaluated: 2025-11-01. Review status: criteria provided, single submitter. Criteria: CeGaT Center For Human Genetics Tuebingen Variant Classification Criteria Version 2. Collection method: clinical testing. Allele origin: germline. Affected: yes. Observed: 5 variant alleles.
Comment: OTOGL: BP4, BS2

Labcorp Genetics (formerly Invitae), Labcorp
Classification: Benign. Last evaluated: 2025-09-12. Review status: criteria provided, single submitter. Criteria: Invitae Variant Classification Sherloc (09022015). Collection method: clinical testing. Allele origin: germline.

GeneDx
Classification: Benign. Last evaluated: 2018-06-04. Review status: criteria provided, single submitter. Criteria: GeneDx Variant Classification (06012015). Collection method: clinical testing. Allele origin: germline. Affected: yes.
Comment: This variant is considered likely benign or benign based on one or more of the following criteria: it is a conservative change, it occurs at a poorly conserved position in the protein, it is predicted to be benign by multiple in silico algorithms, and/or has population frequency not consistent with disease.

Laboratory for Molecular Medicine, Mass General Brigham Personalized Medicine
Classification: Benign. Last evaluated: 2016-04-05. Review status: criteria provided, single submitter. Criteria: LMM Criteria. Collection method: clinical testing. Allele origin: germline. Observed: 1 variant allele.
Comment: p.Asp227Asp in exon 8 of OTOGL: This variant is not expected to have clinical si gnificance because it does not alter an amino acid residue and is not located wi thin the splice consensus sequence. It has been identified in 1% (160/16356) of South Asian chromosomes by the Exome Aggregation Consortium (ExAC).

Breakthrough Genomics
Classification: Benign. Review status: criteria provided, single submitter. Criteria: ACMG Guidelines, 2015. Collection method: not provided. Allele origin: germline. Inheritance: Autosomal recessive inheritance. Affected: yes.